The following is an entry in ClinVar:

ClinVar aggregate classification (germline): Uncertain significance. Review status: criteria provided, multiple submitters, no conflicts (2 of 4 stars). 2 submissions from 2 submitters: Uncertain significance (2). Last evaluated 2023-07-10.

Conditions:
Hereditary breast ovarian cancer syndrome. Also called: Hereditary breast and ovarian cancer; Hereditary breast and/or ovarian cancer syndrome; Hereditary breast and ovarian cancer syndrome; Hereditary breast and ovarian cancer syndrome (HBOC); Breast and ovarian cancer; BRCA1- and BRCA2-Associated Hereditary Breast and Ovarian Cancer. Identifiers: Orphanet 145, MedGen C0677776, MeSH D061325, MONDO:0003582. Disease mechanism: loss of function.
Hereditary cancer-predisposing syndrome. Also called: Hereditary neoplastic syndrome; Tumor predisposition; Neoplastic Syndromes, Hereditary; Hereditary Cancer Syndrome. Identifiers: Orphanet 140162, MedGen C0027672, MeSH D009386, MONDO:0015356.

Submissions (2):

Labcorp Genetics (formerly Invitae), Labcorp
Classification: Uncertain significance for Hereditary breast ovarian cancer syndrome. Last evaluated: 2023-07-10. Review status: criteria provided, single submitter. Criteria: Invitae Variant Classification Sherloc (09022015). Collection method: clinical testing. Allele origin: germline.
Comment: This variant has not been reported in the literature in individuals affected with BRCA1-related conditions. This variant is not present in population databases (gnomAD no frequency). This sequence change replaces methionine, which is neutral and non-polar, with isoleucine, which is neutral and non-polar, at codon 1510 of the BRCA1 protein (p.Met1510Ile). ClinVar contains an entry for this variant (Variation ID: 957112). In summary, the available evidence is currently insufficient to determine the role of this variant in disease. Therefore, it has been classified as a Variant of Uncertain Significance. Advanced modeling of protein sequence and biophysical properties (such as structural, functional, and spatial information, amino acid conservation, physicochemical variation, residue mobility, and thermodynamic stability) performed at Invitae indicates that this missense variant is not expected to disrupt BRCA1 protein function.

Ambry Genetics
Classification: Uncertain significance for Hereditary cancer-predisposing syndrome. Last evaluated: 2022-08-23. Review status: criteria provided, single submitter. Criteria: Ambry Variant Classification Scheme 2023. Collection method: clinical testing. Allele origin: germline.
Comment: The p.M1510I variant (also known as c.4530G>T), located in coding exon 13 of the BRCA1 gene, results from a G to T substitution at nucleotide position 4530. The methionine at codon 1510 is replaced by isoleucine, an amino acid with highly similar properties. This amino acid position is conserved. In addition, the in silico prediction for this alteration is inconclusive. Since supporting evidence is limited at this time, the clinical significance of this alteration remains unclear.

NM_007294.4(BRCA1):c.4530G>T (p.Met1510Ile)

Gene: BRCA1 (BRCA1 DNA repair associated; minus strand). Cytogenetic location: 17q21.31.
Variant type: single nucleotide variant.
Coding change: c.4530G>T on transcript NM_007294.4 (MANE Select); coding-DNA position 4530, G replaced by T.
Protein change: p.Met1510Ile; replaces methionine 1510 with isoleucine.
Molecular consequence: missense variant. On other transcripts: non-coding transcript variant (1).
Genome position (GRCh38, 1-based): chr17:43,074,476, C>A on the plus strand (G>T on the coding strand, the complement: BRCA1 is on the minus strand). VCF-style: chr17-43074476-C-A. GRCh37 (hg19) VCF-style: chr17-41226493-C-A.
Other names: c.4383G>T, p.Met1461Ile (NM_001407848.1, NM_001407849.1, NM_001407850.1 and 12 more transcripts); c.4527G>T, p.Met1509Ile (NM_001407860.1, NM_001407858.1, NM_001407859.1 and 17 more transcripts); c.4524G>T, p.Met1508Ile (NM_001407861.1, NM_001407627.1, NM_001407628.1 and 14 more transcripts); c.4329G>T, p.Met1443Ile (NM_001407862.1); c.4404G>T, p.Met1468Ile (NM_001407863.1, NM_001407670.1, NM_001407671.1 and 11 more transcripts); c.4323G>T, p.Met1441Ile (NM_001407874.1, NM_001407875.1); c.4320G>T, p.Met1440Ile (NM_001407879.1, NM_001407881.1, NM_001407882.1 and 5 more transcripts); c.4317G>T, p.Met1439Ile (NM_001407894.1, NM_001407895.1, NM_001407896.1 and 12 more transcripts); and 68 more; short protein forms M1510I, M1531I, M406I, M1463I, M1214I, M1438I, M1443I, M1469I.
Identifiers: ClinVar variation 957112 (VCV000957112.13), dbSNP rs1555582010, ClinGen allele CA10592459.